The following is an entry in ClinVar:

ClinVar aggregate classification (germline): Likely benign. Review status: reviewed by expert panel (3 of 4 stars). 9 submissions from 9 submitters: Likely benign (1). 8 of the submissions do not count toward it. Last evaluated 2024-06-24.

Conditions:
RUNX1-related disorder. Also called: RUNX1-related condition.
Inborn genetic diseases. Identifiers: MedGen C0950123, MeSH D030342.
Hereditary thrombocytopenia and hematologic cancer predisposition syndrome. Identifiers: Orphanet 71290, MedGen CN281654, MONDO:0011071.
Acute myeloid leukemia (AML). Also called: Acute myeloid leukemia, adult; AML adult; Acute non-lymphocytic leukemia; Acute granulocytic leukemia; Leukemia, acute myelogenous, somatic; Leukemia, acute myeloid, somatic. Identifiers: Orphanet 519, MedGen C0023467, MeSH D015470, MONDO:0018874, OMIM 601626, HP:0004808. Disease mechanism: Constitutively activated FLT3.
Hereditary thrombocytopenia and hematological cancer predisposition syndrome associated with RUNX1. Also called: RUNX1 Familial Platelet Disorder with Associated Myeloid Malignancies; Familial Platelet Disorder with Propensity to Acute Myelogenous Leukemia; PLATELET DISORDER, ASPIRIN-LIKE; Familial thrombocytopenia with propensity to acute myelogenous leukemia. Identifiers: Orphanet 71290, MedGen C1832388, MeSH C563324, MONDO:0100083, OMIM 601399.

Allele frequency attached by ClinVar (database versions not stated): gnomAD exomes 0.00004; ExAC 0.00005; gnomAD 0.00005; TOPMed 0.00006.
gnomAD v4.1: 92 of 1,611,146 alleles (0.0057%); highest among the groups gnomAD compares: Non-Finnish European, 0.0065%; no homozygotes.

Submissions (9):

ClinGen Myeloid Malignancy Variant Curation Expert Panel
Classification: Likely benign for Hereditary thrombocytopenia and hematologic cancer predisposition syndrome. Last evaluated: 2024-06-24. Review status: reviewed by expert panel. Criteria: ClinGen MyeloMalig ACMG Specifications v2. Collection method: curation. Allele origin: germline. Inheritance: Autosomal dominant inheritance.
Comment: The c.749G>A variant in RUNX1 is a missense variant predicted to cause substitution of arginine by histidine at amino acid 250 (p.R250H). A luciferase reporter assaying in U937 cells showed that this variant has normal transcriptional activity, and an EMSA assay using COS7 cells showed that this variant has normal DNA-binding and β-subunit interaction with normal nuclear localization in NIH3T3 cells, indicating that this variant does not impact protein function (PMID: 23817177) (BS3). The computational predictor, REVEL, gives a score of 0.488, which is below the threshold of 0.50, evidence that suggests no impact on RUNX1 function (BP4). In summary, this variant meets the criteria to be classified as likely benign for hereditary thrombocytopenia and hematologic cancer predisposition syndrome based on the ACMG/AMP criteria applied, as specified by the ClinGen Myeloid Malignancy VCEP: BS3 and BP4.

Labcorp Genetics (formerly Invitae), Labcorp
Classification: Uncertain significance for Hereditary thrombocytopenia and hematological cancer predisposition syndrome associated with RUNX1. Last evaluated: 2026-01-21. Review status: criteria provided, single submitter. Criteria: Invitae Variant Classification Sherloc (09022015). Collection method: clinical testing. Allele origin: germline. Not counted in ClinVar's aggregate classification.
Comment: This sequence change replaces arginine, which is basic and polar, with histidine, which is basic and polar, at codon 250 of the RUNX1 protein (p.Arg250His). This variant is present in population databases (rs771614642, gnomAD 0.007%). This missense change has been observed in individual(s) with acute lymphoblastic leukemia (PMID: 34166225). ClinVar contains an entry for this variant (Variation ID: 239055). Invitae Evidence Modeling of protein sequence and biophysical properties (such as structural, functional, and spatial information, amino acid conservation, physicochemical variation, residue mobility, and thermodynamic stability) has been performed for this missense variant. However, the output from this modeling did not meet the statistical confidence thresholds required to predict the impact of this variant on RUNX1 protein function. Experimental studies have shown that this missense change does not substantially affect RUNX1 function (PMID: 34166225). In summary, the available evidence is currently insufficient to determine the role of this variant in disease. Therefore, it has been classified as a Variant of Uncertain Significance.

GeneDx
Classification: Uncertain significance. Last evaluated: 2025-03-14. Review status: criteria provided, single submitter. Criteria: GeneDx Variant Classification Process June 2021. Collection method: clinical testing. Allele origin: germline. Affected: yes. Not counted in ClinVar's aggregate classification.
Comment: Published functional studies demonstrate no damaging effect: no significant impact on transactivation activity, DNA binding function, beta-subunit interaction, or subcellular localization (PMID: 23817177, 34166225); Identified in the germline of individuals with acute lymphoblastic leukemia (PMID: 34166225); In silico analysis supports that this missense variant has a deleterious effect on protein structure/function; Also known as R223H; This variant is associated with the following publications: (PMID: 23817177, 34166225, 37701147)

Ambry Genetics
Classification: Uncertain significance for Inborn genetic diseases. Last evaluated: 2024-10-17. Review status: criteria provided, single submitter. Criteria: Ambry Variant Classification Scheme 2023. Collection method: clinical testing. Allele origin: germline. Not counted in ClinVar's aggregate classification.
Comment: The p.R250H variant (also known as c.749G>A), located in coding exon 6 of the RUNX1 gene, results from a G to A substitution at nucleotide position 749. The arginine at codon 250 is replaced by histidine, an amino acid with highly similar properties. This variant was reported in at least one individual with features consistent with RUNX1 familial platelet disorder with associated myeloid malignancies (Li Y et al. J Clin Invest, 2021 Jun;131:). This amino acid position is highly conserved in available vertebrate species. In addition, the in silico prediction for this alteration is inconclusive. Based on the available evidence, the clinical significance of this variant remains unclear.

Baylor Genetics
Classification: Uncertain significance for Acute myeloid leukemia. Last evaluated: 2023-07-01. Review status: criteria provided, single submitter. Criteria: ACMG Guidelines, 2015. Collection method: clinical testing. Allele origin: unknown. Not counted in ClinVar's aggregate classification.

PreventionGenetics, part of Exact Sciences
Classification: Uncertain significance for RUNX1-related condition. Last evaluated: 2023-02-09. Review status: criteria provided, single submitter. Criteria: ACMG Guidelines, 2015. Collection method: clinical testing. Allele origin: germline. Not counted in ClinVar's aggregate classification.
Comment: The RUNX1 c.749G>A variant is predicted to result in the amino acid substitution p.Arg250His. This variant was also reported as an incidental finding in an individual with Larsen syndrome who did not have thrombocytopenia or abnormal whole blood cell counts (Figure 2, Decker M et al 2022. PubMed ID: 35026845). In vitro functional studies suggest that DNA binding, β-subunit interaction, subcellular localization, and transcriptional activity for this variant are similar to control (Table 1, Koh CP et al 2013. PubMed ID: 23817177; Figure 2, Li Y et al 2021. PubMed ID: 34166225; Figure 1, Decker M et al 2022. PubMed ID: 35026845). This variant is reported in 0.0070% of alleles in individuals of European (Non-Finnish) descent in gnomAD and is interpreted as uncertain in ClinVar. At this time, the clinical significance of this variant is uncertain due to the absence of conclusive functional and genetic evidence.

St. Jude Molecular Pathology, St. Jude Children's Research Hospital
Classification: Uncertain significance for Hereditary thrombocytopenia and hematological cancer predisposition syndrome associated with RUNX1. Last evaluated: 2021-01-12. Review status: criteria provided, single submitter. Criteria: St. Jude Assertion Criteria 2020. Collection method: clinical testing. Allele origin: germline. Not counted in ClinVar's aggregate classification.

Johns Hopkins Genomics, Johns Hopkins University
Classification: Uncertain significance for Acute myeloid leukemia. Last evaluated: 2020-08-17. Review status: criteria provided, single submitter. Criteria: ACMG Guidelines, 2015. Collection method: clinical testing. Allele origin: germline. Not counted in ClinVar's aggregate classification.
Comment: This RUNX1 variant (rs771614642) is rare (<0.1%) in a large population dataset (gnomAD: 11/281252 total alleles; 0.004%; no homozygotes) and has not been reported in the literature, to our knowledge. RUNX1 c.749G>A has been reported in ClinVar. Of two bioinformatics tools queried, one predicts that the substitution would be damaging, while the other predicts that it would be tolerated. Due to insufficient evidence, we consider its clinical significance uncertain at this time.

Genetic Services Laboratory, University of Chicago
Classification: Uncertain significance. Last evaluated: 2019-10-31. Review status: criteria provided, single submitter. Criteria: ACMG Guidelines, 2015. Collection method: clinical testing. Allele origin: germline. Affected: no. Not counted in ClinVar's aggregate classification.

Literature cited by the submitters: PubMed 34166225 (cited by Labcorp Genetics (formerly Invitae), Labcorp and Ambry Genetics).

NM_001754.5(RUNX1):c.749G>A (p.Arg250His)

Gene: RUNX1 (RUNX family transcription factor 1; minus strand). Cytogenetic location: 21q22.12.
Variant type: single nucleotide variant.
Coding change: c.749G>A on transcript NM_001754.5 (MANE Select); coding-DNA position 749, G replaced by A.
Protein change: p.Arg250His; replaces arginine 250 with histidine.
Molecular consequence: missense variant.
Genome position (GRCh38, 1-based): chr21:34,834,466, C>T on the plus strand (G>A on the coding strand, the complement: RUNX1 is on the minus strand). VCF-style: chr21-34834466-C-T. GRCh37 (hg19) VCF-style: chr21-36206763-C-T.
Other names: NM_001754.5(RUNX1):c.749G>A; c.668G>A, p.Arg223His (NM_001001890.3, NM_001122607.2); short protein forms R250H, R223H.
Identifiers: ClinVar variation 239055 (VCV000239055.24), dbSNP rs771614642, ClinGen allele CA10014362.
Genomic context (GRCh38, chr21:34,834,466, plus strand): 5'-TTACCCTGCATCTGACTCTGAGGCTGAGGGTTAAAGGCAGTGGAGTGGTTCAGGGAGGCA[C>T]GAGGGTTGGGCGTGGGGGCTGGGTGGTGTGGGCTGACCCTCATGGCTGTGCGCCGCAGCT-3'
Protein context (NP_001745.2, residues 240-260): PHHPAPTPNP[Arg250His]ASLNHSTAFN